The following is an entry in ClinVar:

NM_001042492.3(NF1):c.7409del (p.Asn2470fs)

Gene: NF1 (neurofibromin 1; plus strand). Cytogenetic location: 17q11.2.
Variant type: Deletion.
Coding change: c.7409del on transcript NM_001042492.3 (MANE Select); coding-DNA position 7409, one base deleted (A; older notation c.7409delA).
Protein change: p.Asn2470fs; shifts the reading frame from asparagine 2470.
Molecular consequence: frameshift variant.
Genome position (GRCh38, 1-based): chr17:31,350,270, A deleted; the last of 4 consecutive A bases (chr17:31,350,267-31,350,270); deleting any one gives the same sequence. VCF-style (leftmost placement, unchanged base first): chr17-31350266-GA-G. GRCh37 (hg19) VCF-style: chr17-29677284-GA-G.
Other names: c.7346delA (NM_000267.3); c.7346delA, p.Asn2449Metfs (NM_000267.4); short protein forms N2449fs, N2470fs.
Identifiers: ClinVar variation 2637795 (VCV002637795.1), dbSNP rs1135402906, ClinGen allele CA2695201306.

ClinVar aggregate classification (germline): Pathogenic (1 of 4 stars; one submission).

Conditions:
Neurofibromatosis, type 1 (NF1). Also called: VON RECKLINGHAUSEN DISEASE; NEUROFIBROMATOSIS, TYPE I, SOMATIC; Peripheral type neurofibromatosis; Neurofibromatosis, type I. Identifiers: Orphanet 636, MedGen C0027831, MONDO:0018975, OMIM 162200. Disease mechanism: loss of function.

Submission:

Women's Health and Genetics/Laboratory Corporation of America, LabCorp
Classification: Pathogenic for Neurofibromatosis, type 1. Last evaluated: 2023-10-18. Review status: criteria provided, single submitter. Criteria: LabCorp Variant Classification Summary - May 2015. Collection method: clinical testing. Allele origin: germline.
Comment: Variant summary: NF1 c.7346delA (p.Asn2449MetfsX19) results in a premature termination codon, predicted to cause a truncation of the encoded protein or absence of the protein due to nonsense mediated decay, which are commonly known mechanisms for disease. The variant was absent in 251338 control chromosomes (gnomAD). c.7346delA has been reported in the literature in individual(s) affected with Neurofibromatosis Type 1 (e.g. Ho_2022). These data do not allow any conclusion about variant significance. To our knowledge, no experimental evidence demonstrating an impact on protein function has been reported. No submitters have cited clinical-significance assessments for this variant to ClinVar after 2014. Based on the evidence outlined above, the variant was classified as pathogenic.

Literature cited by the submitters: PubMed 35240321.